The following is an entry in ClinVar:

NM_000382.3(ALDH3A2):c.943C>T (p.Pro315Ser)

Gene: ALDH3A2 (aldehyde dehydrogenase 3 family member A2; plus strand). Cytogenetic location: 17p11.2.
Variant type: single nucleotide variant.
Coding change: c.943C>T on transcript NM_000382.3 (MANE Select); coding-DNA position 943, C replaced by T.
Protein change: p.Pro315Ser; replaces proline 315 with serine.
Molecular consequence: missense variant.
Genome position (GRCh38, 1-based): chr17:19,663,335, C>T. VCF-style: chr17-19663335-C-T. GRCh37 (hg19) VCF-style: chr17-19566648-C-T.
Other names: c.943C>T, p.Pro315Ser (NM_001031806.2, NM_001369136.1, NM_001369137.2 and 3 more transcripts); c.364C>T, p.Pro122Ser (NM_001369148.2); short protein forms P315S, P122S.
Identifiers: ClinVar variation 1640 (VCV000001640.29), dbSNP rs72547571, ClinGen allele CA115116.

ClinVar aggregate classification (germline): Pathogenic/Likely pathogenic. Review status: criteria provided, multiple submitters, no conflicts (2 of 4 stars). 14 submissions from 14 submitters: Pathogenic (8); Likely pathogenic (1). 5 of the submissions do not count toward it. Last evaluated 2025-12-15.

Conditions:
Sjögren-Larsson syndrome (SLS). Also called: FALDH DEFICIENCY; FATTY ALCOHOL:NAD+ OXIDOREDUCTASE DEFICIENCY; FATTY ALDEHYDE DEHYDROGENASE DEFICIENCY; ICHTHYOSIS, SPASTIC NEUROLOGIC DISORDER, AND OLIGOPHRENIA. Identifiers: Orphanet 816, MedGen C0037231, MONDO:0010031, OMIM 270200.

Allele frequency attached by ClinVar (database versions not stated): TOPMed 0.00002; gnomAD 0.00003; gnomAD exomes 0.00011; ExAC 0.00019.
gnomAD v4.1: 78 of 1,613,724 alleles (0.0048%); highest among the groups gnomAD compares: Non-Finnish European, 0.0053%; no homozygotes.

Submissions (14):

Natera, Inc.
Classification: Pathogenic for Sjögren-Larsson syndrome. Last evaluated: 2025-12-15. Review status: criteria provided, single submitter. Criteria: Natera Variant Classification Schema (03/2026). Collection method: clinical testing. Allele origin: germline.
Comment: The c.943C>T variant in ALDH3A2 is a missense variant predicted to cause substitution of proline to serine at amino acid 315. This variant is rare in the general population with a frequency below the threshold expected for the associated phenotype(s). This variant has been observed in one or more individuals affected with the associated recessive disease, as either homozygous or compound heterozygous with a second variant (PMID: 9441870, 9829906, 10384396). Computational prediction algorithms indicate this variant is likely to affect gene or protein function. Given the available evidence, this variant is classified as Pathogenic.

Fulgent Genetics
Classification: Likely pathogenic for Sjögren-Larsson syndrome. Last evaluated: 2024-03-12. Review status: criteria provided, single submitter. Criteria: ACMG Guidelines, 2015. Collection method: clinical testing. Allele origin: germline.

Labcorp Genetics (formerly Invitae), Labcorp
Classification: Pathogenic. Last evaluated: 2024-02-16. Review status: criteria provided, single submitter. Criteria: Invitae Variant Classification Sherloc (09022015). Collection method: clinical testing. Allele origin: germline.
Comment: This sequence change replaces proline, which is neutral and non-polar, with serine, which is neutral and polar, at codon 315 of the ALDH3A2 protein (p.Pro315Ser). This variant is present in population databases (rs72547571, gnomAD 0.02%). This missense change has been observed in individuals with Sjögren-Larsson syndrome (SLS) (PMID: 9254849). It is commonly reported in individuals of northern Sweden ancestry (PMID: 9204959, 9254849, 10384396, 11408337, 19124283). ClinVar contains an entry for this variant (Variation ID: 1640). An algorithm developed to predict the effect of missense changes on protein structure and function (PolyPhen-2) suggests that this variant is likely to be disruptive. For these reasons, this variant has been classified as Pathogenic.

Institute of Medical Genetics and Applied Genomics, University Hospital Tübingen
Classification: Pathogenic. Last evaluated: 2020-10-23. Review status: criteria provided, single submitter. Criteria: ACMG Guidelines, 2015. Collection method: clinical testing. Allele origin: germline. Inheritance: Autosomal recessive inheritance. Affected: yes.

Myriad Genetics, Inc.
Classification: Pathogenic for Sjögren-Larsson syndrome. Last evaluated: 2019-11-12. Review status: criteria provided, single submitter. Criteria: Myriad Women's Health Autosomal Recessive and X-Linked Classification Criteria (2019). Collection method: clinical testing. Allele origin: unknown.
Comment: NM_000382.2(ALDH3A2):c.943C>T(P315S) is classified as pathogenic in the context of Sjogren-Larsson syndrome. Sources cited for classification include the following: PMID 10384396, 9254849, 9204959, 10577908, 9467812 and 11408337. Classification of NM_000382.2(ALDH3A2):c.943C>T(P315S) is based on the following criteria: This is a well-established pathogenic variant in the literature that has been observed more frequently in patients with clinical diagnoses than in healthy populations. Please note: this variant was assessed in the context of healthy population screening.

Women's Health and Genetics/Laboratory Corporation of America, LabCorp
Classification: Pathogenic for SjÃ¶gren-Larsson syndrome. Last evaluated: 2018-12-17. Review status: criteria provided, single submitter. Criteria: LabCorp Variant Classification Summary - May 2015. Collection method: clinical testing. Allele origin: germline.
Comment: Variant summary: ALDH3A2 c.943C>T (p.Pro315Ser) results in a non-conservative amino acid change located in the Aldehyde dehydrogenase domain of the encoded protein sequence. Five of five in-silico tools predict a damaging effect of the variant on protein function. The variant allele was found at a frequency of 0.0001 in 277112 control chromosomes (gnomAD). The variant, c.943C>T, has been reported in the literature in multiple individuals affected with Sjogren-Larsson Syndrome, in particular in populations of Northern European descent (DeLaurenzi_1997). These data indicate that the variant is very likely to be associated with disease. At least one publication reports experimental evidence evaluating an impact on protein function. The most pronounced variant effect results in <10% of normal activity (DeLaurenzi_1997). Two clinical diagnostic laboratories have submitted clinical-significance assessments for this variant to ClinVar after 2014 without evidence for independent evaluation and classified the variant as pathogenic. Based on the evidence outlined above, the variant was classified as pathogenic.

Broad Center for Mendelian Genomics, Broad Institute of MIT and Harvard
Classification: Pathogenic for Sjögren-Larsson syndrome. Last evaluated: 2018-12-03. Review status: criteria provided, single submitter. Criteria: ACMG Guidelines, 2015. Collection method: research. Allele origin: germline. Inheritance: Autosomal recessive inheritance. Affected: yes.
Comment: The p.Pro315Ser variant in ALDH3A2 has been reported in 41 Northern European individuals with Sjoegren-Larsson syndrome, segregated with disease in 2 affected relatives from 1 families (PMID: 9204959, 9254849, 10577908), and has been identified in 0.02132% (27/126636) of European (non-Finnish) chromosomes and 0.003880% (1/25772) of European (Finnish) chromosomes by the Genome Aggregation Database (gnomAD; dbSNP rs72547571). Although this variant has been seen in the general population, its frequency is low enough to be consistent with a recessive carrier frequency. The prevalence of the variant in affected Northern European individuals and data from large population studies suggests this is a founder variant with a higher prevalence than the prevalence of the variant in a control population (PMID: 9254849). Computational prediction tools and conservation analyses suggest that this variant may impact the protein, though this information is not predictive enough to determine pathogenicity. The presence of this variant in combination with a reported likely pathogenic variant and in an individual with Sjoegren-Larsson syndrome increases the likelihood that the p.Pro315Ser variant is pathogenic (PMID: 10577908; Variation ID: 1643). Functional expression studies with baculovirus and mammalian ovary cells provide some evidence that the p.Pro315Ser variant may impact protein function (PMID: 9204959, 10577908). However, these types of assays may not accurately represent biological function. This variant has also been reported pathogenic in ClinVar (Variation ID: 1640). In summary, the p.Pro315Ser variant is pathogenic based off of our findings, multiple reports in ClinVar, and the literature. ACMG/AMP Criteria applied: PM2, PS3, PP3, PP1, PS4_Moderate (Richards 2015).

GeneDx
Classification: Pathogenic. Last evaluated: 2016-10-04. Review status: criteria provided, single submitter. Criteria: GeneDx Variant Classification (06012015). Collection method: clinical testing. Allele origin: germline. Affected: yes.
Comment: P315S has been reported previously in association with SjÃ¶gren-Larsson syndrome (SLS) and is a common pathogenic variant among individuals of northern European and Swedish ancestry (De Laurenzi et al., 1997). Expression studies demonstrated that this pathogenic variant leads to loss of enzymatic activity (De Laurenzi et al., 1997).

Eurofins Ntd Llc (ga)
Classification: Pathogenic. Last evaluated: 2014-06-13. Review status: criteria provided, single submitter. Criteria: EGL Classification Definitions 2015. Collection method: clinical testing. Allele origin: germline.

OMIM
Classification: Pathogenic for SJOGREN-LARSSON SYNDROME. Last evaluated: 1999-05-01. Review status: no assertion criteria provided. Collection method: literature only. Allele origin: germline. Not counted in ClinVar's aggregate classification.

Clinical Genetics DNA and cytogenetics Diagnostics Lab, Erasmus MC, Erasmus Medical Center
Classification: Pathogenic. Review status: no assertion criteria provided. Collection method: clinical testing. Allele origin: germline. Affected: yes. Study: VKGL Data-share Consensus. Not counted in ClinVar's aggregate classification.

Diagnostic Laboratory, Department of Genetics, University Medical Center Groningen
Classification: Pathogenic. Review status: no assertion criteria provided. Collection method: clinical testing. Allele origin: germline. Affected: yes. Study: VKGL Data-share Consensus. Not counted in ClinVar's aggregate classification.

Genome Diagnostics Laboratory, Amsterdam University Medical Center
Classification: Pathogenic. Review status: no assertion criteria provided. Collection method: clinical testing. Allele origin: germline. Affected: yes. Study: VKGL Data-share Consensus. Not counted in ClinVar's aggregate classification.

Joint Genome Diagnostic Labs from Nijmegen and Maastricht, Radboudumc and MUMC+
Classification: Pathogenic. Review status: no assertion criteria provided. Collection method: clinical testing. Allele origin: germline. Affected: yes. Study: VKGL Data-share Consensus. Not counted in ClinVar's aggregate classification.

Literature cited by the submitters: PubMed 9441870 (cited by Natera, Inc.); PubMed 9829906 (cited by Natera, Inc.); PubMed 10384396 (cited by 4 submitters); PubMed 9254849 (cited by 4 submitters); PubMed 9204959 (cited by 5 submitters); PubMed 11408337 (cited by Labcorp Genetics (formerly Invitae), Labcorp and Myriad Genetics, Inc.); PubMed 19124283 (cited by Labcorp Genetics (formerly Invitae), Labcorp); PubMed 10577908 (cited by Myriad Genetics, Inc. and Broad Center for Mendelian Genomics, Broad Institute of MIT and Harvard); PubMed 9467812 (cited by Myriad Genetics, Inc. and OMIM).